The following is an entry in ClinVar:

ClinVar aggregate classification (germline): Uncertain significance (1 of 4 stars; one submission).

Submission:

GeneDx
Classification: Uncertain significance. Last evaluated: 2023-11-25. Review status: criteria provided, single submitter. Criteria: GeneDx Variant Classification Process June 2021. Collection method: clinical testing. Allele origin: germline. Affected: yes.
Comment: Not observed at significant frequency in large population cohorts (gnomAD); Frameshift variant predicted to result in protein truncation or nonsense mediated decay in a gene or region of a gene for which loss of function is not a well-established mechanism of disease; Has not been previously published as pathogenic or benign to our knowledge; Variants in candidate genes are classified as variants of uncertain significance in accordance with ACMG guidelines (PMID: 25741868)

NM_012197.4(RABGAP1):c.1011del (p.Asn338fs)

Gene: RABGAP1 (RAB GTPase activating protein 1; plus strand). Cytogenetic location: 9q33.2.
Variant type: Deletion.
Coding change: c.1011del on transcript NM_012197.4 (MANE Select); coding-DNA position 1011, one base deleted (T; older notation c.1011delT).
Protein change: p.Asn338fs; shifts the reading frame from asparagine 338.
Molecular consequence: frameshift variant.
Genome position (GRCh38, 1-based): chr9:122,996,128, T deleted. VCF-style (leftmost placement, unchanged base first): chr9-122996127-CT-C. GRCh37 (hg19) VCF-style: chr9-125758406-CT-C.
Other names: short protein forms N338fs.
Identifiers: ClinVar variation 3364558 (VCV003364558.1).
Genomic context (GRCh38, chr9:122,996,127, plus strand): 5'-AGTGCTTTAAACTACGCCAAGGAATTGATAAGAAGATTGTCATCTATGTGCAGCAAACAA[CT>C]AATAAAGAACTTGCCATTGAAAGGTAAGCATTTTTAGTAAGTTTAGCTTAAATATAAATT-3'